The following is an entry in ClinVar:

ClinVar aggregate classification (germline): Conflicting classifications of pathogenicity. Review status: criteria provided, conflicting classifications (1 of 4 stars). 5 submissions from 5 submitters: Uncertain significance (1); Likely benign (3). 1 of the submissions does not count toward it. Last evaluated 2026-01-18.

Conditions:
OTOGL-related disorder. Also called: OTOGL-related condition.

Allele frequency attached by ClinVar (database versions not stated): gnomAD 0.00019 and 0.00034; TOPMed 0.00022; ESP Exome Variant Server 0.00034; gnomAD exomes 0.00040 and 0.00068; ExAC 0.00081; 1000 Genomes Project 30x 0.00141; 1000 Genomes Project 0.00200.

Submissions (5):

Labcorp Genetics (formerly Invitae), Labcorp
Classification: Likely benign. Last evaluated: 2026-01-18. Review status: criteria provided, single submitter. Criteria: Invitae Variant Classification Sherloc (09022015). Collection method: clinical testing. Allele origin: germline.

CeGaT Center for Human Genetics Tuebingen
Classification: Likely benign. Last evaluated: 2025-11-01. Review status: criteria provided, single submitter. Criteria: CeGaT Center For Human Genetics Tuebingen Variant Classification Criteria Version 2. Collection method: clinical testing. Allele origin: germline. Affected: yes. Observed: 3 variant alleles.
Comment: OTOGL: BS1

Blueprint Genetics
Classification: Likely benign. Last evaluated: 2024-09-13. Review status: criteria provided, single submitter. Criteria: ACMG Guidelines, 2015. Collection method: clinical testing. Allele origin: germline.

GeneDx
Classification: Uncertain significance. Last evaluated: 2021-06-11. Review status: criteria provided, single submitter. Criteria: GeneDx Variant Classification Process June 2021. Collection method: clinical testing. Allele origin: germline. Affected: yes.
Comment: In silico analysis supports that this missense variant does not alter protein structure/function; Has not been previously published as pathogenic or benign to our knowledge; This variant is associated with the following publications: (PMID: 27535533)

PreventionGenetics, part of Exact Sciences
Classification: Likely benign for OTOGL-related condition. Last evaluated: 2024-05-10. Review status: no assertion criteria provided. Collection method: clinical testing. Allele origin: germline. Not counted in ClinVar's aggregate classification.
Comment: This variant is classified as likely benign based on ACMG/AMP sequence variant interpretation guidelines (Richards et al. 2015 PMID: 25741868, with internal and published modifications).

NM_001378609.3(OTOGL):c.1823G>A (p.Ser608Asn)

Gene: OTOGL (otogelin like; plus strand). Cytogenetic location: 12q21.31.
Variant type: single nucleotide variant.
Coding change: c.1823G>A on transcript NM_001378609.3 (MANE Select); coding-DNA position 1823, G replaced by A.
Protein change: p.Ser608Asn; replaces serine 608 with asparagine.
Molecular consequence: missense variant.
Genome position (GRCh38, 1-based): chr12:80,257,936, G>A. VCF-style: chr12-80257936-G-A. GRCh37 (hg19) VCF-style: chr12-80651716-G-A.
Other names: c.1823G>A, p.Ser608Asn (NM_001368062.3, NM_001378610.3, NM_173591.7); short protein forms S599N, S608N.
Identifiers: ClinVar variation 806912 (VCV000806912.51), dbSNP rs202156673, ClinGen allele CA6700578.